The following is an entry in ClinVar:

NM_000426.4(LAMA2):c.5028G>A (p.Lys1676=)

Gene: LAMA2 (laminin subunit alpha 2; plus strand). Cytogenetic location: 6q22.33.
Variant type: single nucleotide variant.
Coding change: c.5028G>A on transcript NM_000426.4 (MANE Select); coding-DNA position 5028, G replaced by A.
Protein change: p.Lys1676=; no amino-acid change (lysine 1676 retained).
Molecular consequence: synonymous variant.
Genome position (GRCh38, 1-based): chr6:129,383,190, G>A. VCF-style: chr6-129383190-G-A. GRCh37 (hg19) VCF-style: chr6-129704335-G-A.
Other names: c.5028G>A, p.Lys1676= (NM_001079823.2).
Identifiers: ClinVar variation 794928 (VCV000794928.10), dbSNP rs903342311, ClinGen allele CA146925227.

ClinVar aggregate classification (germline): Likely benign. Review status: criteria provided, single submitter (1 of 4 stars). 2 submissions from 2 submitters: Likely benign (1). 1 of the submissions does not count toward it. Last evaluated 2023-03-13.

Conditions:
LAMA2-related disorder. Also called: LAMA2-related disorders; LAMA2-related condition.
LAMA2-related muscular dystrophy (LAMA2-RD). Also called: Laminin alpha 2-related dystrophy. Identifiers: MedGen C5679788, MONDO:0100228.

Allele frequency attached by ClinVar (database versions not stated): gnomAD 0.00001.
gnomAD v4.1: 2 of 1,613,710 alleles (0.00012%); highest among the groups gnomAD compares: Non-Finnish European, 0.00017%; 1 homozygote.

Submissions (2):

Labcorp Genetics (formerly Invitae), Labcorp
Classification: Likely benign for LAMA2-related muscular dystrophy. Last evaluated: 2023-03-13. Review status: criteria provided, single submitter. Criteria: Invitae Variant Classification Sherloc (09022015). Collection method: clinical testing. Allele origin: germline.

PreventionGenetics, part of Exact Sciences
Classification: Likely benign for LAMA2-related condition. Last evaluated: 2024-08-14. Review status: no assertion criteria provided. Collection method: clinical testing. Allele origin: germline. Not counted in ClinVar's aggregate classification.
Comment: This variant is classified as likely benign based on ACMG/AMP sequence variant interpretation guidelines (Richards et al. 2015 PMID: 25741868, with internal and published modifications).